The following is an entry in ClinVar:

NM_139057.4(ADAMTS17):c.690C>T (p.Ser230=)

Gene: ADAMTS17 (ADAM metallopeptidase with thrombospondin type 1 motif 17; minus strand). Cytogenetic location: 15q26.3.
Variant type: single nucleotide variant.
Coding change: c.690C>T on transcript NM_139057.4 (MANE Select); coding-DNA position 690, C replaced by T.
Protein change: p.Ser230=; no amino-acid change (serine 230 retained).
Molecular consequence: synonymous variant.
Genome position (GRCh38, 1-based): chr15:100,281,328, G>A on the plus strand (C>T on the coding strand, the complement: ADAMTS17 is on the minus strand). VCF-style: chr15-100281328-G-A. GRCh37 (hg19) VCF-style: chr15-100821533-G-A.
Other names: c.690C>T (NM_139057.3).
Identifiers: ClinVar variation 1986033 (VCV001986033.7), dbSNP rs143247183, ClinGen allele CA7758610.

ClinVar aggregate classification (germline): Likely benign. Review status: criteria provided, multiple submitters, no conflicts (2 of 4 stars). 3 submissions from 3 submitters: Likely benign (2). 1 of the submissions does not count toward it. Last evaluated 2024-11-09.

Conditions:
ADAMTS17-related disorder. Also called: ADAMTS17-related condition.

Allele frequency attached by ClinVar (database versions not stated): ExAC 0.00002; gnomAD 0.00005; ESP Exome Variant Server 0.00015; 1000 Genomes Project 30x 0.00016; 1000 Genomes Project 0.00020.
gnomAD v4.1: 38 of 1,610,492 alleles (0.0024%); highest among the groups gnomAD compares: Middle Eastern, 0.017%; no homozygotes.

Submissions (3):

Labcorp Genetics (formerly Invitae), Labcorp
Classification: Likely benign. Last evaluated: 2024-11-09. Review status: criteria provided, single submitter. Criteria: Invitae Variant Classification Sherloc (09022015). Collection method: clinical testing. Allele origin: germline.

Blueprint Genetics
Classification: Likely benign. Last evaluated: 2024-10-30. Review status: criteria provided, single submitter. Criteria: ACMG Guidelines, 2015. Collection method: clinical testing. Allele origin: germline.

PreventionGenetics, part of Exact Sciences
Classification: Likely benign for ADAMTS17-related condition. Last evaluated: 2019-06-23. Review status: no assertion criteria provided. Collection method: clinical testing. Allele origin: germline. Not counted in ClinVar's aggregate classification.
Comment: This variant is classified as likely benign based on ACMG/AMP sequence variant interpretation guidelines (Richards et al. 2015 PMID: 25741868, with internal and published modifications).